The following is an entry in ClinVar:

NM_031885.5(BBS2):c.1088T>A (p.Leu363Ter)

Gene: BBS2 (Bardet-Biedl syndrome 2; minus strand). Cytogenetic location: 16q13.
Variant type: single nucleotide variant.
Coding change: c.1088T>A on transcript NM_031885.5 (MANE Select); coding-DNA position 1088, T replaced by A.
Protein change: p.Leu363Ter; replaces leucine 363 with a stop codon.
Molecular consequence: nonsense. On other transcripts: non-coding transcript variant (5).
Genome position (GRCh38, 1-based): chr16:56,501,490, A>T on the plus strand (T>A on the coding strand, the complement: BBS2 is on the minus strand). VCF-style: chr16-56501490-A-T. GRCh37 (hg19) VCF-style: chr16-56535402-A-T.
Other names: c.1088T>A, p.Leu363Ter (NM_001377456.1); short protein forms L363*.
Identifiers: ClinVar variation 1724761 (VCV001724761.2), dbSNP rs2543709618, ClinGen allele CA395980239.
Genomic context (GRCh38, chr16:56,501,490, plus strand): 5'-AGCCTGGTATTGGCTGGGATTATGCCCCGATGCCCATCAGCCTCGTTCAGTGGACTGGCC[A>T]ATTCAGCCTGCAAAACACCCCACCCATTTCCTACTCAGTCACCAAAACACTGAACTAATA-3'

ClinVar aggregate classification (germline): Likely pathogenic (1 of 4 stars; one submission).

Conditions:
Bardet-Biedl syndrome 2 (BBS2). Identifiers: Orphanet 110, MedGen C2936863, MONDO:0014432, OMIM 615981.

Submission:

Myriad Genetics, Inc.
Classification: Likely pathogenic for Bardet-Biedl syndrome 2. Last evaluated: 2022-02-25. Review status: criteria provided, single submitter. Criteria: Myriad Women's Health Autosomal Recessive and X-Linked Classification Criteria (2021). Collection method: clinical testing. Allele origin: unknown.
Comment: NM_031885.3(BBS2):c.1088T>A(L363*) is expected to be pathogenic in the context of Bardet-Biedl syndrome, BBS2-related. This variant is predicted to lead to an abnormal or absent protein product due to the creation of a premature termination codon in BBS2, a gene where loss-of-function variants are known to be pathogenic. Please note: this variant was assessed in the context of healthy population screening.